The following is an entry in ClinVar:

NM_001378778.1(MPDZ):c.1628G>T (p.Arg543Met)

Gene: MPDZ (multiple PDZ domain crumbs cell polarity complex component; minus strand). Cytogenetic location: 9p23.
Variant type: single nucleotide variant.
Coding change: c.1628G>T on transcript NM_001378778.1 (MANE Select); coding-DNA position 1628, G replaced by T.
Protein change: p.Arg543Met; replaces arginine 543 with methionine.
Molecular consequence: missense variant.
Genome position (GRCh38, 1-based): chr9:13,196,149, C>A on the plus strand (G>T on the coding strand, the complement: MPDZ is on the minus strand). VCF-style: chr9-13196149-C-A. GRCh37 (hg19) VCF-style: chr9-13196148-C-A.
Other names: c.1628G>T, p.Arg543Met (NM_001261406.2, NM_001261407.2, NM_001330637.2 and 14 more transcripts); short protein forms R543M.
Identifiers: ClinVar variation 2074126 (VCV002074126.4), dbSNP rs1347151223, ClinGen allele CA372940925.

ClinVar aggregate classification (germline): Uncertain significance (1 of 4 stars; one submission).

Allele frequency attached by ClinVar (database versions not stated): TOPMed below 0.00001.

Submission:

Labcorp Genetics (formerly Invitae), Labcorp
Classification: Uncertain significance. Last evaluated: 2024-01-19. Review status: criteria provided, single submitter. Criteria: Invitae Variant Classification Sherloc (09022015). Collection method: clinical testing. Allele origin: germline.
Comment: This sequence change replaces arginine, which is basic and polar, with methionine, which is neutral and non-polar, at codon 543 of the MPDZ protein (p.Arg543Met). This variant is not present in population databases (gnomAD no frequency). This variant has not been reported in the literature in individuals affected with MPDZ-related conditions. ClinVar contains an entry for this variant (Variation ID: 2074126). An algorithm developed to predict the effect of missense changes on protein structure and function (PolyPhen-2) suggests that this variant is likely to be disruptive. In summary, the available evidence is currently insufficient to determine the role of this variant in disease. Therefore, it has been classified as a Variant of Uncertain Significance.